The following is an entry in ClinVar:

NM_182914.3(SYNE2):c.11047T>A (p.Ser3683Thr)

Gene: SYNE2 (spectrin repeat containing nuclear envelope protein 2; plus strand). Cytogenetic location: 14q23.2.
Variant type: single nucleotide variant.
Coding change: c.11047T>A on transcript NM_182914.3 (MANE Select); coding-DNA position 11047, T replaced by A.
Protein change: p.Ser3683Thr; replaces serine 3683 with threonine.
Molecular consequence: missense variant.
Genome position (GRCh38, 1-based): chr14:64,078,490, T>A. VCF-style: chr14-64078490-T-A. GRCh37 (hg19) VCF-style: chr14-64545208-T-A.
Other names: c.11047T>A, p.Ser3683Thr (NM_015180.6); short protein forms S3683T.
Identifiers: ClinVar variation 661931 (VCV000661931.18), dbSNP rs199977941, ClinGen allele CA7221690.

ClinVar aggregate classification (germline): Conflicting classifications of pathogenicity. Review status: criteria provided, conflicting classifications (1 of 4 stars). 4 submissions from 4 submitters: Uncertain significance (2); Likely benign (2). Last evaluated 2026-07-01.

Conditions:
Emery-Dreifuss muscular dystrophy 5, autosomal dominant (EDMD5). Also called: EMERY-DREIFUSS MUSCULAR DYSTROPHY 5. Identifiers: Orphanet 261, MedGen C2751805, MONDO:0013072, OMIM 612999.

Allele frequency attached by ClinVar (database versions not stated): ESP Exome Variant Server 0.00008; gnomAD exomes 0.00022 and 0.00027; ExAC 0.00027; gnomAD 0.00027 and 0.00030; TOPMed 0.00029.
gnomAD v4.1: 434 of 1,613,936 alleles (0.027%); highest among the groups gnomAD compares: Non-Finnish European, 0.034%; no homozygotes.

Submissions (4):

CeGaT Center for Human Genetics Tuebingen
Classification: Likely benign. Last evaluated: 2026-07-01. Review status: criteria provided, single submitter. Criteria: CeGaT Center For Human Genetics Tuebingen Variant Classification Criteria Version 2. Collection method: clinical testing. Allele origin: germline. Affected: yes. Observed: 1 variant allele.
Comment: SYNE2: BP4, BS2

Labcorp Genetics (formerly Invitae), Labcorp
Classification: Uncertain significance for Emery-Dreifuss muscular dystrophy 5, autosomal dominant. Last evaluated: 2025-09-10. Review status: criteria provided, single submitter. Criteria: Invitae Variant Classification Sherloc (09022015). Collection method: clinical testing. Allele origin: germline.
Comment: This sequence change replaces serine, which is neutral and polar, with threonine, which is neutral and polar, at codon 3683 of the SYNE2 protein (p.Ser3683Thr). This variant is present in population databases (rs199977941, gnomAD 0.04%), and has an allele count higher than expected for a pathogenic variant. This variant has not been reported in the literature in individuals affected with SYNE2-related conditions. ClinVar contains an entry for this variant (Variation ID: 661931). An algorithm developed to predict the effect of missense changes on protein structure and function (PolyPhen-2) suggests that this variant is likely to be disruptive. In summary, the available evidence is currently insufficient to determine the role of this variant in disease. Therefore, it has been classified as a Variant of Uncertain Significance.

Revvity Omics, Revvity
Classification: Likely benign for Emery-Dreifuss muscular dystrophy 5, autosomal dominant. Last evaluated: 2025-06-15. Review status: criteria provided, single submitter. Criteria: ACMG Guidelines, 2015. Collection method: clinical testing. Allele origin: germline.

Athena Diagnostics
Classification: Uncertain significance. Last evaluated: 2020-10-16. Review status: criteria provided, single submitter. Criteria: Athena Diagnostics criteria. Collection method: clinical testing. Allele origin: unknown.